The following is an entry in ClinVar:

NM_003072.5(SMARCA4):c.1218C>T (p.Ala406=)

Gene: SMARCA4 (SWI/SNF related BAF chromatin remodeling complex subunit ATPase 4; plus strand). Cytogenetic location: 19p13.2.
Variant type: single nucleotide variant.
Coding change: c.1218C>T on transcript NM_003072.5 (MANE Select); coding-DNA position 1218, C replaced by T.
Protein change: p.Ala406=; no amino-acid change (alanine 406 retained).
Molecular consequence: synonymous variant. On other transcripts: non-coding transcript variant (1).
Genome position (GRCh38, 1-based): chr19:10,989,416, C>T. VCF-style: chr19-10989416-C-T. GRCh37 (hg19) VCF-style: chr19-11100092-C-T.
Other names: c.1218C>T, p.Ala406= (NM_001128844.3, NM_001128845.2, NM_001128846.2 and 4 more transcripts).
Identifiers: ClinVar variation 794495 (VCV000794495.16), dbSNP rs1380198147, ClinGen allele CA505489924.

ClinVar aggregate classification (germline): Benign/Likely benign. Review status: criteria provided, multiple submitters, no conflicts (2 of 4 stars). 3 submissions from 3 submitters: Benign (1); Likely benign (2). Last evaluated 2026-07-09.

Conditions:
Hereditary cancer-predisposing syndrome. Also called: Hereditary neoplastic syndrome; Neoplastic Syndromes, Hereditary; Tumor predisposition; Hereditary Cancer Syndrome. Identifiers: Orphanet 140162, MedGen C0027672, MeSH D009386, MONDO:0015356.
Rhabdoid tumor predisposition syndrome 2 (RTPS2). Identifiers: Orphanet 231108, Orphanet 69077, MedGen C2750074, MONDO:0013224, OMIM 613325.

Allele frequency attached by ClinVar (database versions not stated): gnomAD exomes 0.00001; TOPMed below 0.00001.
gnomAD v4.1: 5 of 1,614,128 alleles (0.00031%); highest among the groups gnomAD compares: Non-Finnish European, 0.00042%; no homozygotes.

Submissions (3):

Myriad Genetics, Inc.
Classification: Benign for Rhabdoid tumor predisposition syndrome 2. Last evaluated: 2026-07-09. Review status: criteria provided, single submitter. Criteria: Myriad Autosomal Dominant, Autosomal Recessive and X-Linked Classification Criteria (2023). Collection method: clinical testing. Allele origin: unknown.
Comment: This variant is considered benign. This variant is a silent/synonymous amino acid change and it is not expected to impact splicing.

Labcorp Genetics (formerly Invitae), Labcorp
Classification: Likely benign for Rhabdoid tumor predisposition syndrome 2. Last evaluated: 2025-11-12. Review status: criteria provided, single submitter. Criteria: Invitae Variant Classification Sherloc (09022015). Collection method: clinical testing. Allele origin: germline.

Ambry Genetics
Classification: Likely benign for Hereditary cancer-predisposing syndrome. Last evaluated: 2018-06-29. Review status: criteria provided, single submitter. Criteria: Ambry Variant Classification Scheme 2023. Collection method: clinical testing. Allele origin: germline.